The following is an entry in ClinVar:

ClinVar aggregate classification (germline): Benign/Likely benign. Review status: criteria provided, multiple submitters, no conflicts (2 of 4 stars). 7 submissions from 7 submitters: Benign (1); Likely benign (5). 1 of the submissions does not count toward it. Last evaluated 2026-01-31.

Conditions:
Adams-Oliver syndrome 2 (AOS2). Identifiers: Orphanet 974, MedGen C3280182, MONDO:0013635, OMIM 614219.

Allele frequency attached by ClinVar (database versions not stated): gnomAD exomes 0.00458 and 0.00309; 1000 Genomes Project 0.00060; 1000 Genomes Project 30x 0.00078; ESP Exome Variant Server 0.00265; TOPMed 0.00284; gnomAD 0.00325 and 0.00331; ExAC 0.00382.

Submissions (7):

Labcorp Genetics (formerly Invitae), Labcorp
Classification: Benign. Last evaluated: 2026-01-31. Review status: criteria provided, single submitter. Criteria: Invitae Variant Classification Sherloc (09022015). Collection method: clinical testing. Allele origin: germline.

Blueprint Genetics
Classification: Likely benign. Last evaluated: 2024-11-19. Review status: criteria provided, single submitter. Criteria: ACMG Guidelines, 2015. Collection method: clinical testing. Allele origin: germline.

CeGaT Center for Human Genetics Tuebingen
Classification: Likely benign. Last evaluated: 2023-04-01. Review status: criteria provided, single submitter. Criteria: CeGaT Center For Human Genetics Tuebingen Variant Classification Criteria Version 2. Collection method: clinical testing. Allele origin: germline. Affected: yes. Observed: 9 variant alleles.
Comment: DOCK6: BP4, BP7

GeneDx
Classification: Likely benign. Last evaluated: 2020-11-30. Review status: criteria provided, single submitter. Criteria: GeneDx Variant Classification Process June 2021. Collection method: clinical testing. Allele origin: germline. Affected: yes.

Clinical Genetics DNA and cytogenetics Diagnostics Lab, Erasmus MC, Erasmus Medical Center
Classification: Likely benign for Adams-Oliver syndrome 2. Last evaluated: 2017-11-14. Review status: criteria provided, single submitter. Criteria: ACGS Guidelines, 2013. Collection method: clinical testing. Allele origin: germline. Affected: yes. Study: VKGL Data-share Consensus.

Breakthrough Genomics
Classification: Likely benign. Review status: criteria provided, single submitter. Criteria: ACMG Guidelines, 2015. Collection method: not provided. Allele origin: germline. Inheritance: Autosomal recessive inheritance. Affected: yes.

Clinical Genetics, Academic Medical Center
Classification: Benign. Review status: no assertion criteria provided. Collection method: clinical testing. Allele origin: germline. Affected: yes. Study: VKGL Data-share Consensus. Not counted in ClinVar's aggregate classification.

NM_020812.4(DOCK6):c.4344G>A (p.Pro1448=)

Genes: DOCK6 (dedicator of cytokinesis 6; minus strand), DOCK6-AS1 (DOCK6 antisense RNA 1; plus strand). Cytogenetic location: 19p13.2.
Variant type: single nucleotide variant.
Coding change: c.4344G>A on transcript NM_020812.4 (MANE Select); coding-DNA position 4344, G replaced by A.
Protein change: p.Pro1448=; no amino-acid change (proline 1448 retained).
Molecular consequence: synonymous variant.
Genome position (GRCh38, 1-based): chr19:11,213,323, C>T on the plus strand (G>A on the coding strand, the complement: DOCK6 is on the minus strand). VCF-style: chr19-11213323-C-T. GRCh37 (hg19) VCF-style: chr19-11323999-C-T.
Other names: c.4449G>A, p.Pro1483= (NM_001367830.1).
Identifiers: ClinVar variation 522330 (VCV000522330.42), dbSNP rs200307398, ClinGen allele CA9206886.